The following is an entry in ClinVar:

NM_004699.4(FAM50A):c.296+112G>A

Gene: FAM50A (family with sequence similarity 50 member A; plus strand). Cytogenetic location: Xq28.
Variant type: single nucleotide variant.
Coding change: c.296+112G>A on transcript NM_004699.4 (MANE Select); 112 bases into the intron after coding-DNA position 296, G replaced by A.
Molecular consequence: intron variant.
Genome position (GRCh38, 1-based): chrX:154,446,023, G>A. VCF-style: chrX-154446023-G-A. GRCh37 (hg19) VCF-style: chrX-153674371-G-A.
Identifiers: ClinVar variation 4890707 (VCV004890707.1).

ClinVar aggregate classification (germline): Uncertain significance (1 of 4 stars; one submission).

Conditions:
Armfield syndrome (MRXSA). Identifiers: Orphanet 85276, MedGen C1846057, MONDO:0010284, OMIM 300261.

Submission:

Institute of Human Genetics, University of Leipzig Medical Center
Classification: Uncertain significance for Armfield syndrome. Last evaluated: 2026-07-13. Review status: criteria provided, single submitter. Criteria: ACMG Guidelines, 2015. Collection method: clinical testing. Allele origin: maternal. Inheritance: X-linked recessive inheritance. Affected: yes.
Comment: Criteria applied: PM2,PP3